The following is an entry in ClinVar:

NM_001792.5(CDH2):c.1351G>A (p.Asp451Asn)

Gene: CDH2 (cadherin 2; minus strand). Cytogenetic location: 18q12.1.
Variant type: single nucleotide variant.
Coding change: c.1351G>A on transcript NM_001792.5 (MANE Select); coding-DNA position 1351, G replaced by A.
Protein change: p.Asp451Asn; replaces aspartic acid 451 with asparagine.
Molecular consequence: missense variant.
Genome position (GRCh38, 1-based): chr18:27,990,344, C>T on the plus strand (G>A on the coding strand, the complement: CDH2 is on the minus strand). VCF-style: chr18-27990344-C-T. GRCh37 (hg19) VCF-style: chr18-25570308-C-T.
Other names: c.1258G>A, p.Asp420Asn (NM_001308176.2); short protein forms D420N, D451N.
Identifiers: ClinVar variation 1924994 (VCV001924994.5), dbSNP rs773021925, ClinGen allele CA8923409.

ClinVar aggregate classification (germline): Uncertain significance (1 of 4 stars; one submission).

Allele frequency attached by ClinVar (database versions not stated): TOPMed below 0.00001; gnomAD exomes 0.00002; ExAC 0.00005.
gnomAD v4.1: 35 of 1,605,328 alleles (0.0022%); highest among the groups gnomAD compares: Admixed American, 0.017%; no homozygotes.

Submission:

Labcorp Genetics (formerly Invitae), Labcorp
Classification: Uncertain significance. Last evaluated: 2025-11-06. Review status: criteria provided, single submitter. Criteria: Invitae Variant Classification Sherloc (09022015). Collection method: clinical testing. Allele origin: germline.
Comment: This sequence change replaces aspartic acid, which is acidic and polar, with asparagine, which is neutral and polar, at codon 451 of the CDH2 protein (p.Asp451Asn). This variant is present in population databases (rs773021925, gnomAD 0.02%). This variant has not been reported in the literature in individuals affected with CDH2-related conditions. ClinVar contains an entry for this variant (Variation ID: 1924994). An algorithm developed to predict the effect of missense changes on protein structure and function (PolyPhen-2) suggests that this variant is likely to be tolerated. In summary, the available evidence is currently insufficient to determine the role of this variant in disease. Therefore, it has been classified as a Variant of Uncertain Significance.